The following is an entry in ClinVar:

ClinVar aggregate classification (germline): Uncertain significance (1 of 4 stars; one submission).

Conditions:
Cardiovascular phenotype. Identifiers: MedGen CN230736.

Allele frequency attached by ClinVar (database versions not stated): gnomAD 0.00001; TOPMed 0.00001.
gnomAD v4.1: 7 of 1,613,040 alleles (0.00043%); highest among the groups gnomAD compares: Non-Finnish European, 0.00059%; no homozygotes.

Submission:

Ambry Genetics
Classification: Uncertain significance for Cardiovascular phenotype. Last evaluated: 2023-01-01. Review status: criteria provided, single submitter. Criteria: Ambry Variant Classification Scheme 2023. Collection method: clinical testing. Allele origin: germline.
Comment: The p.Q1707H variant (also known as c.5121G>T), located in coding exon 13 of the TNXB gene, results from a G to T substitution at nucleotide position 5121. The glutamine at codon 1707 is replaced by histidine, an amino acid with highly similar properties. This amino acid position is conserved. In addition, this alteration is predicted to be tolerated by in silico analysis. Since supporting evidence is limited at this time, the clinical significance of this alteration remains unclear.

NM_001365276.2(TNXB):c.5121G>T (p.Gln1707His)

Gene: TNXB (tenascin XB; minus strand). Cytogenetic location: 6p21.33.
Variant type: single nucleotide variant.
Coding change: c.5121G>T on transcript NM_001365276.2 (MANE Select); coding-DNA position 5121, G replaced by T.
Protein change: p.Gln1707His; replaces glutamine 1707 with histidine.
Molecular consequence: missense variant.
Genome position (GRCh38, 1-based): chr6:32,070,284, C>A on the plus strand (G>T on the coding strand, the complement: TNXB is on the minus strand). VCF-style: chr6-32070284-C-A. GRCh37 (hg19) VCF-style: chr6-32038061-C-A.
Other names: c.5121G>T, p.Gln1707His (NM_019105.8); short protein forms Q1707H.
Identifiers: ClinVar variation 2451152 (VCV002451152.2), dbSNP rs1338190417, ClinGen allele CA363415631.